The following is an entry in ClinVar:

NM_015272.5(RPGRIP1L):c.3790_3791delinsAG (p.Asp1264Ser)

Gene: RPGRIP1L (RPGRIP1 like; minus strand). Cytogenetic location: 16q12.2.
Variant type: Indel.
Coding change: c.3790_3791delinsAG on transcript NM_015272.5 (MANE Select); coding-DNA positions 3790 to 3791, GA replaced by AG.
Protein change: p.Asp1264Ser; replaces aspartic acid 1264 with serine.
Molecular consequence: missense variant.
Genome position (GRCh38, 1-based): chr16:53,605,525-53,605,526, TC replaced by CT on the plus strand (GA replaced by AG on the coding strand, the reverse complement: RPGRIP1L is on the minus strand). VCF-style: chr16-53605525-TC-CT. GRCh37 (hg19) VCF-style: chr16-53639437-TC-CT.
Other names: c.3550_3551delinsAG, p.Asp1184Ser (NM_001127897.4); c.3652_3653delinsAG, p.Asp1218Ser (NM_001308334.3); c.3688_3689delinsAG, p.Asp1230Ser (NM_001330538.2); short protein forms D1184S, D1218S, D1230S, D1264S.
Identifiers: ClinVar variation 3381537 (VCV003381537.1).

ClinVar aggregate classification (germline): Uncertain significance (1 of 4 stars; one submission).

Submission:

GeneDx
Classification: Uncertain significance. Last evaluated: 2024-05-20. Review status: criteria provided, single submitter. Criteria: GeneDx Variant Classification Process June 2021. Collection method: clinical testing. Allele origin: germline. Affected: yes.
Comment: Not observed at significant frequency in large population cohorts (gnomAD); In silico analysis supports a deleterious effect on protein structure/function; Has not been previously published as pathogenic or benign to our knowledge